The following is an entry in ClinVar:

ClinVar aggregate classification (germline): Likely benign. Review status: criteria provided, multiple submitters, no conflicts (2 of 4 stars). 3 submissions from 3 submitters: Likely benign (2). 1 of the submissions does not count toward it. Last evaluated 2026-01-21.

Conditions:
Neuropathy, hereditary sensory, type 2C. Also called: KIF1A-Related HSAN2 (HSAN2C); Hereditary sensory and autonomic neuropathy type IIC. Identifiers: Orphanet 970, MedGen C3280168, MONDO:0013634, OMIM 614213.
Intellectual disability, autosomal dominant 9 (NESCAVS). Also called: KIF1A-Related Neurodevelopmental Disorder; NESCAV SYNDROME. Identifiers: Orphanet 662367, MedGen C5393830, MONDO:0013656, OMIM 614255.
Hereditary spastic paraplegia 30. Identifiers: Orphanet 101010, MedGen C5235139, MONDO:0012476.
KIF1A-related disorder. Also called: KIF1A-related disorders; KIF1A-related condition.

Allele frequency attached by ClinVar (database versions not stated): gnomAD exomes 0.00002; ExAC 0.00003; gnomAD 0.00016 and 0.00019; TOPMed 0.00049; 1000 Genomes Project 0.00080; 1000 Genomes Project 30x 0.00094.
gnomAD v4.1: 64 of 1,611,054 alleles (0.004%); highest among the groups gnomAD compares: Admixed American, 0.068%; no homozygotes.

Submissions (3):

Labcorp Genetics (formerly Invitae), Labcorp
Classification: Likely benign for Hereditary spastic paraplegia 30; Neuropathy, hereditary sensory, type 2C; Intellectual disability, autosomal dominant 9. Last evaluated: 2026-01-21. Review status: criteria provided, single submitter. Criteria: Invitae Variant Classification Sherloc (09022015). Collection method: clinical testing. Allele origin: germline.

Blueprint Genetics
Classification: Likely benign. Last evaluated: 2023-07-10. Review status: criteria provided, single submitter. Criteria: ACMG Guidelines, 2015. Collection method: clinical testing. Allele origin: germline.

PreventionGenetics, part of Exact Sciences
Classification: Likely benign for KIF1A-related condition. Last evaluated: 2019-06-19. Review status: no assertion criteria provided. Collection method: clinical testing. Allele origin: germline. Not counted in ClinVar's aggregate classification.
Comment: This variant is classified as likely benign based on ACMG/AMP sequence variant interpretation guidelines (Richards et al. 2015 PMID: 25741868, with internal and published modifications).

NM_001244008.2(KIF1A):c.1421+10G>A

Gene: KIF1A (kinesin family member 1A; minus strand). Cytogenetic location: 2q37.3.
Variant type: single nucleotide variant.
Coding change: c.1421+10G>A on transcript NM_001244008.2 (MANE Select); 10 bases into the intron after coding-DNA position 1421, G replaced by A.
Molecular consequence: intron variant.
Genome position (GRCh38, 1-based): chr2:240,769,617, C>T on the plus strand (G>A on the coding strand, the complement: KIF1A is on the minus strand). VCF-style: chr2-240769617-C-T. GRCh37 (hg19) VCF-style: chr2-241709034-C-T.
Other names: c.1421+10G>A (NM_001244008.1, NM_001320705.2, NM_001379638.1 and 1 more transcripts); c.1394+10G>A (NM_001379653.1, NM_001379650.1, NM_001379645.1 and 10 more transcripts); c.1496+10G>A (NM_001379635.1, NM_001330290.2, NM_001379646.1 and 2 more transcripts); c.1469+10G>A (NM_001379637.1, NM_001379648.1).
Identifiers: ClinVar variation 464212 (VCV000464212.15), dbSNP rs191716550, ClinGen allele CA2208410.